The following is an entry in ClinVar:

NM_153704.6(TMEM67):c.2263T>C (p.Tyr755His)

Gene: TMEM67 (transmembrane protein 67; plus strand). Cytogenetic location: 8q22.1.
Variant type: single nucleotide variant.
Coding change: c.2263T>C on transcript NM_153704.6 (MANE Select); coding-DNA position 2263, T replaced by C.
Protein change: p.Tyr755His; replaces tyrosine 755 with histidine.
Molecular consequence: missense variant. On other transcripts: non-coding transcript variant (1).
Genome position (GRCh38, 1-based): chr8:93,803,625, T>C. VCF-style: chr8-93803625-T-C. GRCh37 (hg19) VCF-style: chr8-94815853-T-C.
Other names: c.2020T>C, p.Tyr674His (NM_001142301.1); c.2263T>C (NM_153704.5); short protein forms Y755H, Y674H.
Identifiers: ClinVar variation 1493140 (VCV001493140.9), dbSNP rs2130757495, ClinGen allele CA371697175.

ClinVar aggregate classification (germline): Uncertain significance. Review status: criteria provided, multiple submitters, no conflicts (2 of 4 stars). 2 submissions from 2 submitters: Uncertain significance (2). Last evaluated 2025-10-01.

Conditions:
Inborn genetic diseases. Identifiers: MedGen C0950123, MeSH D030342.
Meckel-Gruber syndrome. Also called: DYSENCEPHALIA SPLANCHNOCYSTICA; GRUBER SYNDROME; Dysencephalia splachnocystica. Identifiers: Orphanet 564, MedGen C0265215, MONDO:0018921.
Joubert syndrome. Also called: CEREBELLOPARENCHYMAL DISORDER IV; JOUBERT-BOLTSHAUSER SYNDROME; Familial aplasia of the vermis. Identifiers: Orphanet 475, MedGen C5979921, MONDO:0018772.

Allele frequency attached by ClinVar (database versions not stated): gnomAD exomes below 0.00001.
gnomAD v4.1: 1 of 1,603,392 alleles (0.000062%); highest among the groups gnomAD compares: Admixed American, 0.0017%; no homozygotes.

Submissions (2):

Ambry Genetics
Classification: Uncertain significance for Inborn genetic diseases. Last evaluated: 2025-10-01. Review status: criteria provided, single submitter. Criteria: Ambry Variant Classification Scheme 2023. Collection method: clinical testing. Allele origin: germline.

Labcorp Genetics (formerly Invitae), Labcorp
Classification: Uncertain significance for Joubert syndrome; Meckel-Gruber syndrome. Last evaluated: 2025-04-21. Review status: criteria provided, single submitter. Criteria: Invitae Variant Classification Sherloc (09022015). Collection method: clinical testing. Allele origin: germline.
Comment: This sequence change replaces tyrosine, which is neutral and polar, with histidine, which is basic and polar, at codon 755 of the TMEM67 protein (p.Tyr755His). This variant is not present in population databases (gnomAD no frequency). This variant has not been reported in the literature in individuals affected with TMEM67-related conditions. ClinVar contains an entry for this variant (Variation ID: 1493140). Invitae Evidence Modeling of protein sequence and biophysical properties (such as structural, functional, and spatial information, amino acid conservation, physicochemical variation, residue mobility, and thermodynamic stability) indicates that this missense variant is expected to disrupt TMEM67 protein function with a positive predictive value of 95%. In summary, the available evidence is currently insufficient to determine the role of this variant in disease. Therefore, it has been classified as a Variant of Uncertain Significance.